The following is an entry in ClinVar:

ClinVar aggregate classification (germline): Uncertain significance. Review status: criteria provided, multiple submitters, no conflicts (2 of 4 stars). 3 submissions from 3 submitters: Uncertain significance (3). Last evaluated 2025-10-21.

Conditions:
Dyskeratosis congenita, autosomal dominant 2. Identifiers: MedGen C3151443, MONDO:0013521, OMIM 613989.
Idiopathic Pulmonary Fibrosis. Also called: Idiopathic fibrosing alveolitis, chronic form; idiopathic fibrosing alveolitis. Identifiers: Orphanet 2032, MedGen C1800706, MeSH D054990, MONDO:0800504.
Dyskeratosis congenita. Identifiers: Orphanet 1775, MedGen C0265965, MONDO:0015780.

Allele frequency attached by ClinVar (database versions not stated): TOPMed below 0.00001.

Submissions (3):

Ambry Genetics
Classification: Uncertain significance for Dyskeratosis congenita. Last evaluated: 2025-10-21. Review status: criteria provided, single submitter. Criteria: Ambry Variant Classification Scheme 2023. Collection method: clinical testing. Allele origin: germline.
Comment: The p.V473L variant (also known as c.1417G>C), located in coding exon 2 of the TERT gene, results from a G to C substitution at nucleotide position 1417. The valine at codon 473 is replaced by leucine, an amino acid with highly similar properties. This variant was reported in individual(s) with pulmonary fibrosis (Newton CA et al. Eur Respir J, 2016 Dec;48:1710-1720). This amino acid position is well conserved in available vertebrate species. In addition, the in silico prediction for this alteration is inconclusive. Based on the available evidence, the clinical significance of this variant remains unclear.

Baylor Genetics
Classification: Uncertain significance for Dyskeratosis congenita, autosomal dominant 2. Last evaluated: 2023-09-17. Review status: criteria provided, single submitter. Criteria: ACMG Guidelines, 2015. Collection method: clinical testing. Allele origin: unknown.

Labcorp Genetics (formerly Invitae), Labcorp
Classification: Uncertain significance for Dyskeratosis congenita, autosomal dominant 2; Idiopathic Pulmonary Fibrosis. Last evaluated: 2023-02-13. Review status: criteria provided, single submitter. Criteria: Invitae Variant Classification Sherloc (09022015). Collection method: clinical testing. Allele origin: germline.
Comment: This sequence change replaces valine, which is neutral and non-polar, with leucine, which is neutral and non-polar, at codon 473 of the TERT protein (p.Val473Leu). This variant is not present in population databases (gnomAD no frequency). This variant has not been reported in the literature in individuals affected with TERT-related conditions. ClinVar contains an entry for this variant (Variation ID: 539182). Advanced modeling of protein sequence and biophysical properties (such as structural, functional, and spatial information, amino acid conservation, physicochemical variation, residue mobility, and thermodynamic stability) performed at Invitae indicates that this missense variant is expected to disrupt TERT protein function. In summary, the available evidence is currently insufficient to determine the role of this variant in disease. Therefore, it has been classified as a Variant of Uncertain Significance.

Literature cited by the submitters: PubMed 27540018 (cited by Ambry Genetics).

NM_198253.3(TERT):c.1417G>C (p.Val473Leu)

Gene: TERT (telomerase reverse transcriptase; minus strand). Cytogenetic location: 5p15.33.
Variant type: single nucleotide variant.
Coding change: c.1417G>C on transcript NM_198253.3 (MANE Select); coding-DNA position 1417, G replaced by C.
Protein change: p.Val473Leu; replaces valine 473 with leucine.
Molecular consequence: missense variant. On other transcripts: non-coding transcript variant (2).
Genome position (GRCh38, 1-based): chr5:1,293,469, C>G on the plus strand (G>C on the coding strand, the complement: TERT is on the minus strand). VCF-style: chr5-1293469-C-G. GRCh37 (hg19) VCF-style: chr5-1293584-C-G.
Other names: c.1417G>C, p.Val473Leu (NM_001193376.3); short protein forms V473L.
Identifiers: ClinVar variation 539182 (VCV000539182.13), dbSNP rs1554042817, ClinGen allele CA359085712.